The following is an entry in ClinVar:

ClinVar aggregate classification (germline): Conflicting classifications of pathogenicity. Review status: criteria provided, conflicting classifications (1 of 4 stars). 6 submissions from 6 submitters: Uncertain significance (4); Likely benign (2). Last evaluated 2025-02-16.

Conditions:
GFAP-related disorder. Also called: GFAP-related disorders; GFAP-related condition.
Inborn genetic diseases. Identifiers: MedGen C0950123, MeSH D030342.
Alexander disease (ALXDRD). Also called: Alexander's disease. Identifiers: Orphanet 58, MedGen C0270726, MONDO:0008752, OMIM 203450.

Allele frequency attached by ClinVar (database versions not stated): ExAC 0.00002; gnomAD exomes 0.00003; TOPMed 0.00004; gnomAD 0.00008 and 0.00009.
gnomAD v4.1: 136 of 1,613,272 alleles (0.0084%); highest among the groups gnomAD compares: Non-Finnish European, 0.012%; no homozygotes.

Submissions (6):

Laboratory of Genetics, Children's Clinical University Hospital Latvia
Classification: Likely benign. Last evaluated: 2025-02-16. Review status: criteria provided, single submitter. Criteria: ACMG Guidelines, 2015. Collection method: clinical testing. Allele origin: germline. Affected: yes.

Labcorp Genetics (formerly Invitae), Labcorp
Classification: Uncertain significance. Last evaluated: 2024-10-16. Review status: criteria provided, single submitter. Criteria: Invitae Variant Classification Sherloc (09022015). Collection method: clinical testing. Allele origin: germline.
Comment: This sequence change replaces serine, which is neutral and polar, with phenylalanine, which is neutral and non-polar, at codon 298 of the GFAP protein (p.Ser298Phe). This variant is present in population databases (rs760672791, gnomAD 0.008%). This variant has not been reported in the literature in individuals affected with GFAP-related conditions. ClinVar contains an entry for this variant (Variation ID: 425136). Invitae Evidence Modeling of protein sequence and biophysical properties (such as structural, functional, and spatial information, amino acid conservation, physicochemical variation, residue mobility, and thermodynamic stability) indicates that this missense variant is expected to disrupt GFAP protein function with a positive predictive value of 95%. In summary, the available evidence is currently insufficient to determine the role of this variant in disease. Therefore, it has been classified as a Variant of Uncertain Significance.

PreventionGenetics, part of Exact Sciences
Classification: Uncertain significance for GFAP-related condition. Last evaluated: 2023-09-08. Review status: criteria provided, single submitter. Criteria: ACMG Guidelines, 2015. Collection method: clinical testing. Allele origin: germline.
Comment: The GFAP c.893C>T variant is predicted to result in the amino acid substitution p.Ser298Phe. To our knowledge, this variant has not been reported in the literature. This variant is reported in 0.0079% of alleles in individuals of European (Non-Finnish) descent in gnomAD. At this time, the clinical significance of this variant is uncertain due to the absence of conclusive functional and genetic evidence.

Ambry Genetics
Classification: Likely benign for Inborn genetic diseases. Last evaluated: 2023-03-29. Review status: criteria provided, single submitter. Criteria: Ambry Variant Classification Scheme 2023. Collection method: clinical testing. Allele origin: germline.

Fulgent Genetics
Classification: Uncertain significance for Alexander disease. Last evaluated: 2021-11-19. Review status: criteria provided, single submitter. Criteria: ACMG Guidelines, 2015. Collection method: clinical testing. Allele origin: unknown.

CeGaT Center for Human Genetics Tuebingen
Classification: Uncertain significance. Last evaluated: 2016-12-01. Review status: criteria provided, single submitter. Criteria: CeGaT Center For Human Genetics Tuebingen Variant Classification Criteria Version 2. Collection method: clinical testing. Allele origin: germline. Affected: yes. Observed: 1 variant allele.

NM_002055.5(GFAP):c.893C>T (p.Ser298Phe)

Gene: GFAP (glial fibrillary acidic protein; minus strand). Cytogenetic location: 17q21.31.
Variant type: single nucleotide variant.
Coding change: c.893C>T on transcript NM_002055.5 (MANE Select); coding-DNA position 893, C replaced by T.
Protein change: p.Ser298Phe; replaces serine 298 with phenylalanine.
Molecular consequence: missense variant.
Genome position (GRCh38, 1-based): chr17:44,911,685, G>A on the plus strand (C>T on the coding strand, the complement: GFAP is on the minus strand). VCF-style: chr17-44911685-G-A. GRCh37 (hg19) VCF-style: chr17-42989053-G-A.
Other names: c.893C>T (NM_002055.4); c.893C>T, p.Ser298Phe (NM_001131019.3, NM_001242376.3, NM_001363846.2); short protein forms S298F.
Identifiers: ClinVar variation 425136 (VCV000425136.53), dbSNP rs760672791, ClinGen allele CA8608836.